The following is an entry in ClinVar:

ClinVar aggregate classification (germline): Uncertain significance (1 of 4 stars; one submission).

Conditions:
Duchenne muscular dystrophy (DMD). Also called: MUSCULAR DYSTROPHY, PSEUDOHYPERTROPHIC PROGRESSIVE, DUCHENNE TYPE; Duchenne Muscular Dystrophy (DMD). Identifiers: Orphanet 98896, MedGen C0013264, MONDO:0010679, OMIM 310200.

Submission:

Labcorp Genetics (formerly Invitae), Labcorp
Classification: Uncertain significance for Duchenne muscular dystrophy. Last evaluated: 2025-06-09. Review status: criteria provided, single submitter. Criteria: Invitae Variant Classification Sherloc (09022015). Collection method: clinical testing. Allele origin: germline.
Comment: This sequence change replaces valine, which is neutral and non-polar, with leucine, which is neutral and non-polar, at codon 1305 of the DMD protein (p.Val1305Leu). This variant is not present in population databases (gnomAD no frequency). This variant has not been reported in the literature in individuals affected with DMD-related conditions. ClinVar contains an entry for this variant (Variation ID: 1714969). Invitae Evidence Modeling of protein sequence and biophysical properties (such as structural, functional, and spatial information, amino acid conservation, physicochemical variation, residue mobility, and thermodynamic stability) indicates that this missense variant is not expected to disrupt DMD protein function with a negative predictive value of 95%. In summary, the available evidence is currently insufficient to determine the role of this variant in disease. Therefore, it has been classified as a Variant of Uncertain Significance.

NM_004006.3(DMD):c.3913G>C (p.Val1305Leu)

Gene: DMD (dystrophin; minus strand). Cytogenetic location: Xp21.1.
Variant type: single nucleotide variant.
Coding change: c.3913G>C on transcript NM_004006.3 (MANE Select); coding-DNA position 3913, G replaced by C.
Protein change: p.Val1305Leu; replaces valine 1305 with leucine.
Molecular consequence: missense variant.
Genome position (GRCh38, 1-based): chrX:32,441,188, C>G on the plus strand (G>C on the coding strand, the complement: DMD is on the minus strand). VCF-style: chrX-32441188-C-G. GRCh37 (hg19) VCF-style: chrX-32459305-C-G.
Other names: c.3889G>C, p.Val1297Leu (NM_000109.4); c.3901G>C, p.Val1301Leu (NM_004009.3); c.3544G>C, p.Val1182Leu (NM_004010.3); short protein forms V1182L, V1297L, V1301L, V1305L.
Identifiers: ClinVar variation 1714969 (VCV001714969.6), dbSNP rs2524124318, ClinGen allele CA412670136.